The following is an entry in ClinVar:

ClinVar aggregate classification (germline): Benign/Likely benign. Review status: criteria provided, multiple submitters, no conflicts (2 of 4 stars). 3 submissions from 3 submitters: Benign (1); Likely benign (2). Last evaluated 2026-07-22.

Conditions:
KIF11-related disorder. Also called: KIF11-related condition.

Allele frequency attached by ClinVar (database versions not stated): TOPMed below 0.00001; gnomAD 0.00004; 1000 Genomes Project 30x 0.00016; 1000 Genomes Project 0.00020; ExAC 0.00022.
gnomAD v4.1: 127 of 1,589,576 alleles (0.008%); highest among the groups gnomAD compares: South Asian, 0.14%; no homozygotes.

Submissions (3):

PreventionGenetics, part of Exact Sciences
Classification: Likely benign for KIF11-related condition. Last evaluated: 2026-07-22. Review status: criteria provided, single submitter. Criteria: ACMG Guidelines, 2015. Collection method: clinical testing. Allele origin: germline.
Comment: This variant is classified as likely benign based on ACMG/AMP sequence variant interpretation guidelines (Richards et al. 2015 PMID: 25741868, with internal and published modifications).

Labcorp Genetics (formerly Invitae), Labcorp
Classification: Benign. Last evaluated: 2024-04-25. Review status: criteria provided, single submitter. Criteria: Invitae Variant Classification Sherloc (09022015). Collection method: clinical testing. Allele origin: germline.

Blueprint Genetics
Classification: Likely benign. Last evaluated: 2024-03-09. Review status: criteria provided, single submitter. Criteria: ACMG Guidelines, 2015. Collection method: clinical testing. Allele origin: germline.

NM_004523.4(KIF11):c.1941A>T (p.Ile647=)

Gene: KIF11 (kinesin family member 11; plus strand). Cytogenetic location: 10q23.33.
Variant type: single nucleotide variant.
Coding change: c.1941A>T on transcript NM_004523.4 (MANE Select); coding-DNA position 1941, A replaced by T.
Protein change: p.Ile647=; no amino-acid change (isoleucine 647 retained).
Molecular consequence: synonymous variant.
Genome position (GRCh38, 1-based): chr10:92,637,249, A>T. VCF-style: chr10-92637249-A-T. GRCh37 (hg19) VCF-style: chr10-94397006-A-T.
Other names: c.1941A>T (NM_004523.3).
Identifiers: ClinVar variation 2912201 (VCV002912201.5), dbSNP rs568518892, ClinGen allele CA5604287.